The following is an entry in ClinVar:

NM_000535.7(PMS2):c.535A>T (p.Lys179Ter)

Gene: PMS2 (PMS1 homolog 2, mismatch repair system component; minus strand). Cytogenetic location: 7p22.1.
Variant type: single nucleotide variant.
Coding change: c.535A>T on transcript NM_000535.7 (MANE Select); coding-DNA position 535, A replaced by T.
Protein change: p.Lys179Ter; replaces lysine 179 with a stop codon.
Molecular consequence: nonsense. On other transcripts: 5 prime UTR variant (2), non-coding transcript variant (1).
Genome position (GRCh38, 1-based): chr7:6,002,455, T>A on the plus strand (A>T on the coding strand, the complement: PMS2 is on the minus strand). VCF-style: chr7-6002455-T-A. GRCh37 (hg19) VCF-style: chr7-6042086-T-A.
Other names: c.130A>T, p.Lys44Ter (NM_001322003.2, NM_001322004.2, NM_001322005.2 and 3 more transcripts); c.535A>T, p.Lys179Ter (NM_001322006.2, NM_001322014.2); c.217A>T, p.Lys73Ter (NM_001322007.2, NM_001322008.2); c.-350A>T (NM_001322011.2, NM_001322012.2); c.226A>T, p.Lys76Ter (NM_001322015.2); short protein forms K179*, K44*, K76*, K73*.
Identifiers: ClinVar variation 480938 (VCV000480938.7), dbSNP rs1554303861, ClinGen allele CA366744151.

ClinVar aggregate classification (germline): Pathogenic/Likely pathogenic. Review status: criteria provided, multiple submitters, no conflicts (2 of 4 stars). 3 submissions from 3 submitters: Pathogenic (2); Likely pathogenic (1). Last evaluated 2023-09-19.

Conditions:
Lynch syndrome 4 (LYNCH4). Also called: Colorectal cancer, hereditary nonpolyposis, type 4; Hereditary non-polyposis colorectal cancer, type 4. Identifiers: Orphanet 144, MedGen C1838333, MONDO:0013699, OMIM 614337. Disease mechanism: loss of function.
Hereditary cancer-predisposing syndrome. Also called: Hereditary Cancer Syndrome; Neoplastic Syndromes, Hereditary; Tumor predisposition; Hereditary neoplastic syndrome. Identifiers: Orphanet 140162, MedGen C0027672, MeSH D009386, MONDO:0015356.
Lynch syndrome. Identifiers: Orphanet 144, MedGen C4552100, MONDO:0005835. Disease mechanism: loss of function.

Submissions (3):

Myriad Genetics, Inc.
Classification: Pathogenic for Lynch syndrome 4. Last evaluated: 2023-09-19. Review status: criteria provided, single submitter. Criteria: Myriad Autosomal Dominant, Autosomal Recessive and X-Linked Classification Criteria (2023). Collection method: clinical testing. Allele origin: unknown.
Comment: This variant is considered pathogenic. This variant creates a termination codon and is predicted to result in premature protein truncation.

Ambry Genetics
Classification: Pathogenic for Hereditary cancer-predisposing syndrome. Last evaluated: 2022-01-11. Review status: criteria provided, single submitter. Criteria: Ambry Variant Classification Scheme 2023. Collection method: clinical testing. Allele origin: germline.
Comment: The p.K179* pathogenic mutation (also known as c.535A>T), located in coding exon 5 of the PMS2 gene, results from an A to T substitution at nucleotide position 535. This changes the amino acid from a lysine to a stop codon within coding exon 5. This variant is considered to be rare based on population cohorts in the Genome Aggregation Database (gnomAD). This alteration is expected to result in loss of function by premature protein truncation or nonsense-mediated mRNA decay. As such, this alteration is interpreted as a disease-causing mutation.

Laboratory for Molecular Medicine, Mass General Brigham Personalized Medicine
Classification: Likely pathogenic for Lynch syndrome. Last evaluated: 2020-05-13. Review status: criteria provided, single submitter. Criteria: ACMG Guidelines, 2015. Collection method: clinical testing. Allele origin: germline.
Comment: The p.Lys179X variant in PMS2 has not been previously reported in individuals with Lynch syndrome and was absent from large population studies, but has been reported in ClinVar (Variation ID 480938). This nonsense variant leads to a premature termination codon at position 179, which is predicted to lead to a truncated or absent protein. Loss of function of the PMS2 gene is an established disease mechanism in autosomal dominant Lynch syndrome. In summary, although additional studies are required to fully establish its clinical significance, this variant meets criteria to be classified as likely pathogenic for autosomal dominant Lynch syndrome. ACMG/AMP Criteria applied: PVS1, PM2.